The following is an entry in ClinVar:

NM_001163809.2(WDR81):c.5314C>T (p.Pro1772Ser)

Gene: WDR81 (WD repeat domain 81; plus strand). Cytogenetic location: 17p13.3.
Variant type: single nucleotide variant.
Coding change: c.5314C>T on transcript NM_001163809.2 (MANE Select); coding-DNA position 5314, C replaced by T.
Protein change: p.Pro1772Ser; replaces proline 1772 with serine.
Molecular consequence: missense variant.
Genome position (GRCh38, 1-based): chr17:1,735,706, C>T. VCF-style: chr17-1735706-C-T. GRCh37 (hg19) VCF-style: chr17-1639000-C-T.
Other names: c.1705C>T, p.Pro569Ser (NM_001163673.2); c.1633C>T, p.Pro545Ser (NM_001163811.2); c.2161C>T, p.Pro721Ser (NM_152348.4); short protein forms P1772S, P569S, P721S, P545S.
Identifiers: ClinVar variation 634455 (VCV000634455.9), dbSNP rs144021458, ClinGen allele CA8273824.

ClinVar aggregate classification (germline): Uncertain significance. Review status: criteria provided, multiple submitters, no conflicts (2 of 4 stars). 4 submissions from 4 submitters: Uncertain significance (4). Last evaluated 2025-10-14.

Conditions:
Inborn genetic diseases. Identifiers: MedGen C0950123, MeSH D030342.
Cerebellar ataxia, impaired intellectual development, and dysequilibrium syndrome 2. Also called: CEREBELLAR ATAXIA, MENTAL RETARDATION, AND DYSEQUILIBRIUM SYNDROME 2; CEREBELLAR ATAXIA AND MENTAL RETARDATION WITH OR WITHOUT QUADRUPEDAL LOCOMOTION 2; Cerebellar ataxia, intellectual disability, and dysequilibrium syndrome 2. Identifiers: Orphanet 1766, MedGen C2750234, MONDO:0012430, OMIM 610185.

Allele frequency attached by ClinVar (database versions not stated): 1000 Genomes Project 30x 0.00031; ExAC 0.00008; ESP Exome Variant Server 0.00008; gnomAD 0.00006; TOPMed 0.00004; gnomAD exomes 0.00008.
gnomAD v4.1: 160 of 1,612,258 alleles (0.0099%); highest among the groups gnomAD compares: Middle Eastern, 0.2%; no homozygotes.

Submissions (4):

Ambry Genetics
Classification: Uncertain significance for Inborn genetic diseases. Last evaluated: 2025-10-14. Review status: criteria provided, single submitter. Criteria: Ambry Variant Classification Scheme 2023. Collection method: clinical testing. Allele origin: germline.

Women's Health and Genetics/Laboratory Corporation of America, LabCorp
Classification: Uncertain significance. Last evaluated: 2025-01-02. Review status: criteria provided, single submitter. Criteria: LabCorp Variant Classification Summary - May 2015. Collection method: clinical testing. Allele origin: germline.
Comment: Variant summary: WDR81 c.5314C>T (p.Pro1772Ser) results in a non-conservative amino acid change located in the WD40 repeat region (IPR001680) of the encoded protein sequence. Three of four in-silico tools predict a damaging effect of the variant on protein function. The variant allele was found at a frequency of 9.2e-05 in 1605294 control chromosomes in the gnomAD database (v4.1 dataset). To our knowledge, no occurrence of c.5314C>T in individuals affected with Cerebellar Ataxia, Intellectual Disability, And Dysequilibrium Syndrome 2 and no experimental evidence demonstrating its impact on protein function have been reported. ClinVar contains an entry for this variant (Variation ID: 634455). Based on the evidence outlined above, the variant was classified as uncertain significance.

Genomic Research Center, Shahid Beheshti University of Medical Sciences
Classification: Uncertain significance. Last evaluated: 2019-01-01. Review status: criteria provided, single submitter. Criteria: ACMG Guidelines, 2015. Collection method: clinical testing. Allele origin: unknown. Affected: yes.

Institute of Human Genetics, University of Leipzig Medical Center
Classification: Uncertain significance for Cerebellar ataxia, impaired intellectual development, and dysequilibrium syndrome 2. Last evaluated: 2019-01-01. Review status: criteria provided, single submitter. Criteria: ACMG Guidelines, 2015. Collection method: clinical testing. Allele origin: unknown. Affected: yes.